The following is an entry in ClinVar:

NM_000088.4(COL1A1):c.3470del (p.Gly1157fs)

Gene: COL1A1 (collagen type I alpha 1 chain; minus strand). Cytogenetic location: 17q21.33.
Variant type: Deletion.
Coding change: c.3470del on transcript NM_000088.4 (MANE Select); coding-DNA position 3470, one base deleted (G; older notation c.3470delG).
Protein change: p.Gly1157fs; shifts the reading frame from glycine 1157.
Molecular consequence: frameshift variant.
Genome position (GRCh38, 1-based): chr17:50,187,076, C deleted on the plus strand (G on the coding strand, the reverse complement: COL1A1 is on the minus strand); the first of 2 consecutive C bases (chr17:50,187,076-50,187,077); deleting either gives the same sequence. VCF-style (leftmost placement, unchanged base first): chr17-50187075-AC-A. GRCh37 (hg19) VCF-style: chr17-48264436-AC-A.
Other names: short protein forms G1157fs.
Identifiers: ClinVar variation 3725706 (VCV003725706.2).

ClinVar aggregate classification (germline): Pathogenic (1 of 4 stars; one submission).

Conditions:
Osteogenesis imperfecta type I (OI1). Also called: Lobstein's Disease; Lobstein disease; Classic Non-deforming Osteogenesis Imperfecta with Blue Sclerae; OI, TYPE I; OSTEOGENESIS IMPERFECTA TARDA; OSTEOGENESIS IMPERFECTA WITH BLUE SCLERAE. Identifiers: Orphanet 216796, Orphanet 666, MedGen C0023931, MONDO:0008146, OMIM 166200. Disease mechanism: loss of function.

Submission:

Labcorp Genetics (formerly Invitae), Labcorp
Classification: Pathogenic for Osteogenesis imperfecta type I. Last evaluated: 2024-11-20. Review status: criteria provided, single submitter. Criteria: Invitae Variant Classification Sherloc (09022015). Collection method: clinical testing. Allele origin: germline.
Comment: This sequence change creates a premature translational stop signal (p.Gly1157Valfs*82) in the COL1A1 gene. It is expected to result in an absent or disrupted protein product. Loss-of-function variants in COL1A1 are known to be pathogenic (PMID: 7942841, 9295084, 9443882). This variant is not present in population databases (gnomAD no frequency). This variant has not been reported in the literature in individuals affected with COL1A1-related conditions. For these reasons, this variant has been classified as Pathogenic.

Literature cited by the submitters: PubMed 7942841; PubMed 9295084; PubMed 9443882.